The following is an entry in ClinVar:

NM_005245.4(FAT1):c.12103+5G>T

Gene: FAT1 (FAT atypical cadherin 1; minus strand). Cytogenetic location: 4q35.2.
Variant type: single nucleotide variant.
Coding change: c.12103+5G>T on transcript NM_005245.4 (MANE Select); 5 bases into the intron after coding-DNA position 12103, G replaced by T.
Molecular consequence: intron variant.
Genome position (GRCh38, 1-based): chr4:186,599,893, C>A on the plus strand (G>T on the coding strand, the complement: FAT1 is on the minus strand). VCF-style: chr4-186599893-C-A. GRCh37 (hg19) VCF-style: chr4-187521047-C-A.
Identifiers: ClinVar variation 1427877 (VCV001427877.6), dbSNP rs2126409049, ClinGen allele CA2573138196.

ClinVar aggregate classification (germline): Uncertain significance (1 of 4 stars; one submission).

Submission:

Labcorp Genetics (formerly Invitae), Labcorp
Classification: Uncertain significance. Last evaluated: 2022-02-05. Review status: criteria provided, single submitter. Criteria: Invitae Variant Classification Sherloc (09022015). Collection method: clinical testing. Allele origin: germline.
Comment: Variants that disrupt the consensus splice site are a relatively common cause of aberrant splicing (PMID: 17576681, 9536098). Algorithms developed to predict the effect of sequence changes on RNA splicing suggest that this variant may disrupt the consensus splice site. This variant has not been reported in the literature in individuals affected with FAT1-related conditions. This variant is not present in population databases (gnomAD no frequency). This sequence change falls in intron 22 of the FAT1 gene. It does not directly change the encoded amino acid sequence of the FAT1 protein. It affects a nucleotide within the consensus splice site. In summary, the available evidence is currently insufficient to determine the role of this variant in disease. Therefore, it has been classified as a Variant of Uncertain Significance.

Literature cited by the submitters: PubMed 17576681; PubMed 9536098.